The following is an entry in ClinVar:

NM_001369.3(DNAH5):c.2984A>G (p.Asp995Gly)

Genes: DNAH5 (dynein axonemal heavy chain 5; minus strand), DNAH5-AS1 (DNAH5 antisense RNA 1; plus strand). Cytogenetic location: 5p15.2.
Variant type: single nucleotide variant.
Coding change: c.2984A>G on transcript NM_001369.3 (MANE Select); coding-DNA position 2984, A replaced by G.
Protein change: p.Asp995Gly; replaces aspartic acid 995 with glycine.
Molecular consequence: missense variant.
Genome position (GRCh38, 1-based): chr5:13,883,094, T>C on the plus strand (A>G on the coding strand, the complement: DNAH5 is on the minus strand). VCF-style: chr5-13883094-T-C. GRCh37 (hg19) VCF-style: chr5-13883203-T-C.
Other names: short protein forms D995G.
Identifiers: ClinVar variation 351195 (VCV000351195.15), dbSNP rs749983185, ClinGen allele CA3204425.
Genomic context (GRCh38, chr5:13,883,094, plus strand): 5'-GTGACGCTTGCCCGGAAAATGGGCAAACTGTTCTGCTTCATGTTAGAGGCACTGTTACTG[T>C]CTGAGTTAACCCAAAACAAGGAAGAATTCACATTTTTAATACAAAATAAGATTTGCTTCC-3'
Protein context (NP_001360.1, residues 985-1005): IHSSHTINFR[Asp995Gly]SNSASNMKQN

ClinVar aggregate classification (germline): Uncertain significance. Review status: criteria provided, multiple submitters, no conflicts (2 of 4 stars). 5 submissions from 5 submitters: Uncertain significance (4). 1 of the submissions does not count toward it. Last evaluated 2026-06-15.

Conditions:
Primary ciliary dyskinesia. Also called: Ciliary dyskinesia. Identifiers: Orphanet 244, MedGen C0008780, MONDO:0016575, HP:0012265.
Primary ciliary dyskinesia 3. Identifiers: Orphanet 244, MedGen C1837618, MONDO:0012085, OMIM 608644.

Allele frequency attached by ClinVar (database versions not stated): gnomAD 0.00003 and 0.00004; gnomAD exomes 0.00005 and 0.00011; TOPMed 0.00007; ExAC 0.00011.
gnomAD v4.1: 89 of 1,613,622 alleles (0.0055%); highest among the groups gnomAD compares: Admixed American, 0.01%; no homozygotes.

Submissions (5):

Women's Health and Genetics/Laboratory Corporation of America, LabCorp
Classification: Uncertain significance. Last evaluated: 2026-06-15. Review status: criteria provided, single submitter. Criteria: LabCorp Variant Classification Summary - May 2015. Collection method: clinical testing. Allele origin: germline.
Comment: Variant summary: DNAH5 c.2984A>G (p.Asp995Gly) results in a non-conservative amino acid change in the encoded protein sequence. Algorithms developed to predict the effect of missense changes on protein structure and function are either unavailable or do not agree on the potential impact of this missense change. Consensus agreement among computation tools predict no significant impact on normal splicing. However, these predictions have yet to be confirmed by functional studies. The variant allele was found at a frequency of 0.00011 in 249882 control chromosomes. This frequency is not significantly higher than estimated for disease-causing variants in DNAH5, allowing no conclusion about variant significance. To our knowledge, no occurrence of c.2984A>G in individuals affected with DNAH5-related conditions and no experimental evidence demonstrating its impact on protein function have been reported. ClinVar contains an entry for this variant (Variation ID: 351195). Based on the evidence outlined above, the variant was classified as uncertain significance.

Labcorp Genetics (formerly Invitae), Labcorp
Classification: Uncertain significance for Primary ciliary dyskinesia. Last evaluated: 2025-10-13. Review status: criteria provided, single submitter. Criteria: Invitae Variant Classification Sherloc (09022015). Collection method: clinical testing. Allele origin: germline.
Comment: This sequence change replaces aspartic acid, which is acidic and polar, with glycine, which is neutral and non-polar, at codon 995 of the DNAH5 protein (p.Asp995Gly). This variant is present in population databases (rs749983185, gnomAD 0.2%). This variant has not been reported in the literature in individuals affected with DNAH5-related conditions. ClinVar contains an entry for this variant (Variation ID: 351195). An algorithm developed to predict the effect of missense changes on protein structure and function (PolyPhen-2) suggests that this variant is likely to be disruptive. In summary, the available evidence is currently insufficient to determine the role of this variant in disease. Therefore, it has been classified as a Variant of Uncertain Significance.

Blueprint Genetics
Classification: Uncertain significance. Last evaluated: 2024-11-15. Review status: criteria provided, single submitter. Criteria: ACMG Guidelines, 2015. Collection method: clinical testing. Allele origin: germline.

Illumina Laboratory Services, Illumina
Classification: Uncertain significance for Primary ciliary dyskinesia 3. Last evaluated: 2018-01-13. Review status: criteria provided, single submitter. Criteria: ICSL Variant Classification Criteria 13 December 2019. Collection method: clinical testing. Allele origin: germline.

Natera, Inc.
Classification: Uncertain significance for Primary ciliary dyskinesia. Last evaluated: 2019-10-28. Review status: no assertion criteria provided. Collection method: clinical testing. Allele origin: germline. Not counted in ClinVar's aggregate classification.